The following is an entry in ClinVar:

NM_000166.6(GJB1):c.109G>T (p.Val37Leu)

Gene: GJB1 (gap junction protein beta 1; plus strand). Cytogenetic location: Xq13.1.
Variant type: single nucleotide variant.
Coding change: c.109G>T on transcript NM_000166.6 (MANE Select); coding-DNA position 109, G replaced by T.
Protein change: p.Val37Leu; replaces valine 37 with leucine.
Molecular consequence: missense variant.
Genome position (GRCh38, 1-based): chrX:71,223,816, G>T. VCF-style: chrX-71223816-G-T. GRCh37 (hg19) VCF-style: chrX-70443666-G-T.
Other names: c.109G>T, p.Val37Leu (NM_001097642.3); short protein forms V37L.
Identifiers: ClinVar variation 374173 (VCV000374173.14), dbSNP rs1057518946, ClinGen allele CA16043599.
Genomic context (GRCh38, chrX:71,223,816, plus strand): 5'-TCTACTGCCATTGGCCGAGTATGGCTCTCGGTCATCTTCATCTTCAGAATCATGGTGCTG[G>T]TGGTGGCTGCAGAGAGTGTGTGGGGTGATGAGAAATCTTCCTTCATCTGCAACACACTCC-3'
Protein context (NP_000157.1, residues 27-47): VIFIFRIMVL[Val37Leu]VAAESVWGDE

ClinVar aggregate classification (germline): Conflicting classifications of pathogenicity. Review status: criteria provided, conflicting classifications (1 of 4 stars). 4 submissions from 4 submitters: Pathogenic (1); Likely pathogenic (1); Uncertain significance (1). 1 of the submissions does not count toward it. Last evaluated 2021-03-29.

Conditions:
Pain. Identifiers: MedGen C0030193, HP:0012531.
Progressive distal muscular atrophy. Identifiers: MedGen C4024613, HP:0008955.
Progressive distal muscle weakness. Identifiers: MedGen C1836609, HP:0009063.
Distal sensory impairment. Identifiers: MedGen C1847584, HP:0002936.
Talipes cavus equinovarus. Identifiers: MedGen C1832342, HP:0004696.
Diminished deep tendon reflex. Also called: Reduced tendon reflexes. Identifiers: MedGen C1866934, HP:0001315.
Hammertoe. Identifiers: MedGen C1136179, HP:0001765.
Achilles tendon contracture. Identifiers: MedGen C0410264, HP:0001771.
Charcot-Marie-Tooth disease. Also called: Charcot-Marie-Tooth Neuropathy; Charcot-Marie-Tooth Hereditary Neuropathy. Identifiers: Orphanet 166, MedGen C0007959, MONDO:0015626.
Charcot-Marie-Tooth Neuropathy X. Identifiers: MedGen CN118851.

Submissions (4):

Labcorp Genetics (formerly Invitae), Labcorp
Classification: Pathogenic for Charcot-Marie-Tooth Neuropathy X. Last evaluated: 2021-03-29. Review status: criteria provided, single submitter. Criteria: Invitae Variant Classification Sherloc (09022015). Collection method: clinical testing. Allele origin: germline.
Comment: For these reasons, this variant has been classified as Pathogenic. Algorithms developed to predict the effect of missense changes on protein structure and function are either unavailable or do not agree on the potential impact of this missense change (SIFT: "Deleterious"; PolyPhen-2: "Probably Damaging"; Align-GVGD: "Class C0"). This variant has been observed in several individuals affected with X-linked Charcot-Marie-Tooth disease type 1 (CMTX1) (PMID: 16096811, 21291455, 28448691, 22243284) and has been observed to segregate with CMTX1 in multiple families (PMID: 16096811, 21291455). ClinVar contains an entry for this variant (Variation ID: 374173). This variant is not present in population databases (ExAC no frequency). This sequence change replaces valine with leucine at codon 37 of the GJB1 protein (p.Val37Leu). The valine residue is highly conserved and there is a small physicochemical difference between valine and leucine.

Athena Diagnostics
Classification: Uncertain significance. Last evaluated: 2019-05-31. Review status: criteria provided, single submitter. Criteria: Athena Diagnostics Criteria. Collection method: clinical testing. Allele origin: germline.

Centre for Mendelian Genomics, University Medical Centre Ljubljana
Classification: Likely pathogenic for Achilles tendon contracture; Distal sensory impairment; Hammertoe; Pain; Progressive distal muscle weakness; Progressive distal muscular atrophy; Diminished deep tendon reflex; Talipes cavus equinovarus. Last evaluated: 2014-05-16. Review status: criteria provided, single submitter. Criteria: ACMG Guidelines, 2015. Collection method: clinical testing. Allele origin: unknown. Affected: yes.

Inherited Neuropathy Consortium
Classification: Uncertain significance for Charcot-Marie-Tooth disease. Review status: no assertion criteria provided. Collection method: literature only. Allele origin: germline. Affected: yes. Not counted in ClinVar's aggregate classification.

Literature cited by the submitters: PubMed 16096811 (cited by 3 submitters); PubMed 21291455 (cited by Labcorp Genetics (formerly Invitae), Labcorp and Athena Diagnostics); PubMed 28448691 (cited by Labcorp Genetics (formerly Invitae), Labcorp); PubMed 22243284 (cited by Labcorp Genetics (formerly Invitae), Labcorp); PubMed 25388846 (cited by Athena Diagnostics).